The following is an entry in ClinVar:

NM_201384.3(PLEC):c.3232C>T (p.Arg1078Cys)

Gene: PLEC (plectin; minus strand). Cytogenetic location: 8q24.3.
Variant type: single nucleotide variant.
Coding change: c.3232C>T on transcript NM_201384.3 (MANE Select); coding-DNA position 3232, C replaced by T.
Protein change: p.Arg1078Cys; replaces arginine 1078 with cysteine.
Molecular consequence: missense variant.
Genome position (GRCh38, 1-based): chr8:143,929,131, G>A on the plus strand (C>T on the coding strand, the complement: PLEC is on the minus strand). VCF-style: chr8-143929131-G-A. GRCh37 (hg19) VCF-style: chr8-145003299-G-A.
Other names: c.3313C>T, p.Arg1105Cys (NM_000445.5); c.3190C>T, p.Arg1064Cys (NM_201378.4); c.3166C>T, p.Arg1056Cys (NM_201379.3); c.3643C>T, p.Arg1215Cys (NM_201380.4); c.3136C>T, p.Arg1046Cys (NM_201381.3); c.3232C>T, p.Arg1078Cys (NM_201382.4); c.3244C>T, p.Arg1082Cys (NM_201383.3); short protein forms R1056C, R1105C, R1064C, R1082C, R1046C, R1078C, R1215C.
Identifiers: ClinVar variation 644905 (VCV000644905.8), dbSNP rs372402587, ClinGen allele CA4927165.

ClinVar aggregate classification (germline): Uncertain significance. Review status: criteria provided, single submitter (1 of 4 stars). 2 submissions from 2 submitters: Uncertain significance (1). 1 of the submissions does not count toward it. Last evaluated 2025-12-17.

Conditions:
Epidermolysis bullosa simplex with nail dystrophy (EBS5D). Identifiers: MedGen C4225309, MONDO:0014661, OMIM 616487.
Epidermolysis bullosa simplex 5C, with pyloric atresia (EBS5C). Also called: PLEC-Related Epidermolysis Bullosa with Pyloric Atresia; Epidermolysis bullosa simplex with pyloric atresia; PLEC1-Related Epidermolysis Bullosa with Pyloric Atresia. Identifiers: Orphanet 158684, MedGen C2677349, MONDO:0012807, OMIM 612138.
Epidermolysis bullosa simplex 5B, with muscular dystrophy (EBS5B). Also called: Epidermolysis bullosa simplex with muscular dystrophy; EPIDERMOLYSIS BULLOSA SIMPLEX AND LIMB-GIRDLE MUSCULAR DYSTROPHY. Identifiers: Orphanet 257, MedGen C2931072, MONDO:0009181, OMIM 226670.
Epidermolysis bullosa simplex, Ogna type (EBS5A). Also called: Pidermolysis bullosa simplex 5A, Ogna type; EPIDERMOLYSIS BULLOSA SIMPLEX 5A, OGNA TYPE. Identifiers: Orphanet 79401, MedGen C0432317, MONDO:0007555, OMIM 131950.
Autosomal recessive limb-girdle muscular dystrophy type 2Q (LGMDR17). Also called: MUSCULAR DYSTROPHY, LIMB-GIRDLE, AUTOSOMAL RECESSIVE 17. Identifiers: Orphanet 254361, MedGen C3150989, MONDO:0013390, OMIM 613723.
PLEC-related disorder. Also called: PLEC-related condition; PLEC-related disorders.

Allele frequency attached by ClinVar (database versions not stated): gnomAD 0.00001; gnomAD exomes 0.00002 and 0.00003; ExAC 0.00003; TOPMed 0.00003; ESP Exome Variant Server 0.00008.
gnomAD v4.1: 27 of 1,585,364 alleles (0.0017%); highest among the groups gnomAD compares: Admixed American, 0.011%; 1 homozygote.

Submissions (2):

Labcorp Genetics (formerly Invitae), Labcorp
Classification: Uncertain significance for Autosomal recessive limb-girdle muscular dystrophy type 2Q; Epidermolysis bullosa simplex, Ogna type; Epidermolysis bullosa simplex with nail dystrophy; Epidermolysis bullosa simplex 5C, with pyloric atresia; Epidermolysis bullosa simplex 5B, with muscular dystrophy. Last evaluated: 2025-12-17. Review status: criteria provided, single submitter. Criteria: Invitae Variant Classification Sherloc (09022015). Collection method: clinical testing. Allele origin: germline.
Comment: This sequence change replaces arginine, which is basic and polar, with cysteine, which is neutral and slightly polar, at codon 1105 of the PLEC protein (p.Arg1105Cys). The frequency data for this variant in the population databases is considered unreliable, as metrics indicate poor data quality at this position in the gnomAD database. This variant has not been reported in the literature in individuals affected with PLEC-related conditions. ClinVar contains an entry for this variant (Variation ID: 644905). Invitae Evidence Modeling of protein sequence and biophysical properties (such as structural, functional, and spatial information, amino acid conservation, physicochemical variation, residue mobility, and thermodynamic stability) indicates that this missense variant is not expected to disrupt PLEC protein function with a negative predictive value of 80%. In summary, the available evidence is currently insufficient to determine the role of this variant in disease. Therefore, it has been classified as a Variant of Uncertain Significance.

PreventionGenetics, part of Exact Sciences
Classification: Uncertain significance for PLEC-related condition. Last evaluated: 2024-08-11. Review status: no assertion criteria provided. Collection method: clinical testing. Allele origin: germline. Not counted in ClinVar's aggregate classification.
Comment: The PLEC c.3313C>T variant is predicted to result in the amino acid substitution p.Arg1105Cys. To our knowledge, this variant has not been reported in the literature. This variant is reported in 0.0090% of alleles in individuals of African descent in gnomAD. At this time, the clinical significance of this variant is uncertain due to the absence of conclusive functional and genetic evidence.